The following is an entry in ClinVar:

NM_152564.5(VPS13B):c.1166C>A (p.Ser389Tyr)

Gene: VPS13B (vacuolar protein sorting 13 homolog B; plus strand). Cytogenetic location: 8q22.2.
Variant type: single nucleotide variant.
Coding change: c.1166C>A on transcript NM_152564.5 (MANE Select); coding-DNA position 1166, C replaced by A.
Protein change: p.Ser389Tyr; replaces serine 389 with tyrosine.
Molecular consequence: missense variant. On other transcripts: non-coding transcript variant (1).
Genome position (GRCh38, 1-based): chr8:99,121,405, C>A. VCF-style: chr8-99121405-C-A. GRCh37 (hg19) VCF-style: chr8-100133633-C-A.
Other names: c.1166C>A, p.Ser389Tyr (NM_015243.3, NM_017890.5, NM_181661.3); short protein forms S389Y.
Identifiers: ClinVar variation 1484384 (VCV001484384.6), dbSNP rs2132516597, ClinGen allele CA371861268.

ClinVar aggregate classification (germline): Uncertain significance (1 of 4 stars; one submission).

Conditions:
Cohen syndrome (COH1). Also called: PEPPER SYNDROME; Cutis verticis gyrata, retinitis pigmentosa, and sensorineural deafness. Identifiers: Orphanet 193, MedGen C0265223, MONDO:0008999, OMIM 216550.

Submission:

Labcorp Genetics (formerly Invitae), Labcorp
Classification: Uncertain significance for Cohen syndrome. Last evaluated: 2022-06-27. Review status: criteria provided, single submitter. Criteria: Invitae Variant Classification Sherloc (09022015). Collection method: clinical testing. Allele origin: germline.
Comment: In summary, the available evidence is currently insufficient to determine the role of this variant in disease. Therefore, it has been classified as a Variant of Uncertain Significance. Algorithms developed to predict the effect of missense changes on protein structure and function are either unavailable or do not agree on the potential impact of this missense change (SIFT: "Not Available"; PolyPhen-2: "Possibly Damaging"; Align-GVGD: "Not Available"). This variant has not been reported in the literature in individuals affected with VPS13B-related conditions. This variant is not present in population databases (gnomAD no frequency). This sequence change replaces serine with tyrosine at codon 389 of the VPS13B protein (p.Ser389Tyr). The serine residue is weakly conserved and there is a large physicochemical difference between serine and tyrosine.